The following is an entry in ClinVar:

ClinVar aggregate classification (germline): Uncertain significance (1 of 4 stars; one submission).

gnomAD v4.1: 17 of 1,599,586 alleles (0.0011%); highest among the groups gnomAD compares: Non-Finnish European, 0.0014%; no homozygotes.

Submission:

Labcorp Genetics (formerly Invitae), Labcorp
Classification: Uncertain significance. Last evaluated: 2023-07-14. Review status: criteria provided, single submitter. Criteria: Invitae Variant Classification Sherloc (09022015). Collection method: clinical testing. Allele origin: germline.
Comment: In summary, the available evidence is currently insufficient to determine the role of this variant in disease. Therefore, it has been classified as a Variant of Uncertain Significance. An algorithm developed to predict the effect of missense changes on protein structure and function (PolyPhen-2) suggests that this variant is likely to be disruptive. ClinVar contains an entry for this variant (Variation ID: 998668). This variant has not been reported in the literature in individuals affected with VCAN-related conditions. This variant is not present in population databases (gnomAD no frequency). This sequence change replaces isoleucine, which is neutral and non-polar, with phenylalanine, which is neutral and non-polar, at codon 1322 of the VCAN protein (p.Ile1322Phe).

NM_004385.5(VCAN):c.3964A>T (p.Ile1322Phe)

Gene: VCAN (versican; plus strand). Cytogenetic location: 5q14.3.
Variant type: single nucleotide variant.
Coding change: c.3964A>T on transcript NM_004385.5 (MANE Select); coding-DNA position 3964, A replaced by T.
Protein change: p.Ile1322Phe; replaces isoleucine 1322 with phenylalanine.
Molecular consequence: missense variant. On other transcripts: intron variant (2).
Genome position (GRCh38, 1-based): chr5:83,522,270, A>T. VCF-style: chr5-83522270-A-T. GRCh37 (hg19) VCF-style: chr5-82818089-A-T.
Other names: c.3964A>T, p.Ile1322Phe (NM_001164098.2); c.1042+9874A>T (NM_001164097.2, NM_001126336.3); short protein forms I1322F.
Identifiers: ClinVar variation 998668 (VCV000998668.9), dbSNP rs775174671, ClinGen allele CA360307189.